The following is an entry in ClinVar:

ClinVar aggregate classification (germline): Uncertain significance. Review status: criteria provided, single submitter (1 of 4 stars). 2 submissions from 2 submitters: Uncertain significance (1). 1 of the submissions does not count toward it. Last evaluated 2023-07-12.

Conditions:
GRN-related disorder. Also called: GRN-related disorders; GRN-related condition.
GRN-related frontotemporal lobar degeneration with Tdp43 inclusions (FTD2). Also called: DEMENTIA, HEREDITARY DYSPHASIC DISINHIBITION; FRONTOTEMPORAL LOBAR DEGENERATION WITH UBIQUITIN-POSITIVE INCLUSIONS; FTLD-TDP, GRN-RELATED; GRN Frontotemporal Dementia; FRONTOTEMPORAL DEMENTIA WITH TDP43 INCLUSIONS, GRN-RELATED. Identifiers: Orphanet 100070, Orphanet 282, MedGen C1843792, MONDO:0011842, OMIM 607485. Disease mechanism: loss of function.
Neuronal ceroid lipofuscinosis 11. Also called: GRN-Related Neuronal Ceroid-Lipofuscinosis. Identifiers: Orphanet 314629, Orphanet 79262, MedGen C3539123, MONDO:0013866, OMIM 614706.

Submissions (2):

Labcorp Genetics (formerly Invitae), Labcorp
Classification: Uncertain significance for Neuronal ceroid lipofuscinosis 11; GRN-related frontotemporal lobar degeneration with Tdp43 inclusions. Last evaluated: 2023-07-12. Review status: criteria provided, single submitter. Criteria: Invitae Variant Classification Sherloc (09022015). Collection method: clinical testing. Allele origin: germline.
Comment: Advanced modeling of protein sequence and biophysical properties (such as structural, functional, and spatial information, amino acid conservation, physicochemical variation, residue mobility, and thermodynamic stability) performed at Invitae indicates that this missense variant is not expected to disrupt GRN protein function. This variant has not been reported in the literature in individuals affected with GRN-related conditions. This variant is present in population databases (rs149180605, gnomAD 0.0009%). This sequence change replaces phenylalanine, which is neutral and non-polar, with leucine, which is neutral and non-polar, at codon 131 of the GRN protein (p.Phe131Leu). In summary, the available evidence is currently insufficient to determine the role of this variant in disease. Therefore, it has been classified as a Variant of Uncertain Significance.

PreventionGenetics, part of Exact Sciences
Classification: Uncertain significance for GRN-related condition. Last evaluated: 2024-08-27. Review status: no assertion criteria provided. Collection method: clinical testing. Allele origin: germline. Not counted in ClinVar's aggregate classification.
Comment: The GRN c.393C>A variant is predicted to result in the amino acid substitution p.Phe131Leu. To our knowledge, this variant has not been reported in the literature. This variant is reported in 0.00088% of alleles in individuals of European (Non-Finnish) descent in gnomAD. At this time, the clinical significance of this variant is uncertain due to the absence of conclusive functional and genetic evidence.

NM_002087.4(GRN):c.393C>A (p.Phe131Leu)

Gene: GRN (granulin precursor; plus strand). Cytogenetic location: 17q21.31.
Variant type: single nucleotide variant.
Coding change: c.393C>A on transcript NM_002087.4 (MANE Select); coding-DNA position 393, C replaced by A.
Protein change: p.Phe131Leu; replaces phenylalanine 131 with leucine.
Molecular consequence: missense variant.
Genome position (GRCh38, 1-based): chr17:44,350,271, C>A. VCF-style: chr17-44350271-C-A. GRCh37 (hg19) VCF-style: chr17-42427639-C-A.
Other names: c.393C>A (NM_002087.3); short protein forms F131L.
Identifiers: ClinVar variation 2946036 (VCV002946036.4), dbSNP rs149180605, ClinGen allele CA290925640.